The following is an entry in ClinVar:

ClinVar aggregate classification (germline): Uncertain significance (1 of 4 stars; one submission).

Allele frequency attached by ClinVar (database versions not stated): ExAC 0.00001.
gnomAD v4.1: 2 of 1,613,744 alleles (0.00012%); highest among the groups gnomAD compares: South Asian, 0.0022%; no homozygotes.

Submission:

Labcorp Genetics (formerly Invitae), Labcorp
Classification: Uncertain significance. Last evaluated: 2022-11-17. Review status: criteria provided, single submitter. Criteria: Invitae Variant Classification Sherloc (09022015). Collection method: clinical testing. Allele origin: germline.
Comment: In summary, the available evidence is currently insufficient to determine the role of this variant in disease. Therefore, it has been classified as a Variant of Uncertain Significance. Algorithms developed to predict the effect of missense changes on protein structure and function output the following: SIFT: "Deleterious"; PolyPhen-2: "Benign"; Align-GVGD: "Class C0". The valine amino acid residue is found in multiple mammalian species, which suggests that this missense change does not adversely affect protein function. This variant has not been reported in the literature in individuals affected with REST-related conditions. This variant is present in population databases (rs768151863, gnomAD 0.006%). This sequence change replaces alanine, which is neutral and non-polar, with valine, which is neutral and non-polar, at codon 683 of the REST protein (p.Ala683Val).

NM_005612.5(REST):c.2048C>T (p.Ala683Val)

Gene: REST (RE1 silencing transcription factor; plus strand). Cytogenetic location: 4q12.
Variant type: single nucleotide variant.
Coding change: c.2048C>T on transcript NM_005612.5 (MANE Select); coding-DNA position 2048, C replaced by T.
Protein change: p.Ala683Val; replaces alanine 683 with valine.
Molecular consequence: missense variant.
Genome position (GRCh38, 1-based): chr4:56,930,906, C>T. VCF-style: chr4-56930906-C-T. GRCh37 (hg19) VCF-style: chr4-57797072-C-T.
Other names: c.2048C>T, p.Ala683Val (NM_001193508.2, NM_001363453.3); short protein forms A683V.
Identifiers: ClinVar variation 3015836 (VCV003015836.3), dbSNP rs768151863, ClinGen allele CA2932393.
Genomic context (GRCh38, chr4:56,930,906, plus strand): 5'-AGAAGGAGCTGCTGCCTCCCGTGGAGCCTGCTCAGATGGTGGGTGCCCAAATTGTACTTG[C>T]TCACATGGAGCTGCCTCCTCCCATGGAGACTGCTCAGACGGAGGTTGCCCAAATGGGGCC-3'
Protein context (NP_005603.3, residues 673-693): AQMVGAQIVL[Ala683Val]HMELPPPMET